The following is an entry in ClinVar:

NM_001232.4(CASQ2):c.783G>A (p.Trp261Ter)

Gene: CASQ2 (calsequestrin 2; minus strand). Cytogenetic location: 1p13.1.
Variant type: single nucleotide variant.
Coding change: c.783G>A on transcript NM_001232.4 (MANE Select); coding-DNA position 783, G replaced by A.
Protein change: p.Trp261Ter; replaces tryptophan 261 with a stop codon.
Molecular consequence: nonsense.
Genome position (GRCh38, 1-based): chr1:115,725,508, C>T on the plus strand (G>A on the coding strand, the complement: CASQ2 is on the minus strand). VCF-style: chr1-115725508-C-T. GRCh37 (hg19) VCF-style: chr1-116268129-C-T.
Other names: short protein forms W261*.
Identifiers: ClinVar variation 427947 (VCV000427947.11), dbSNP rs776874142, ClinGen allele CA1023758.
Genomic context (GRCh38, chr1:115,725,508, plus strand): 5'-CACTCCTCTTTGGGACTATACTCATCTCTACAAGGCAAAGAGAGTTTGCCTCTTTCTTAC[C>T]CATGTTTCAAACATTTCTTCTGGGCGCAGGCGACGTAGAGTGGGTCTGGAAAAAAAAAAA-3'

ClinVar aggregate classification (germline): Pathogenic/Likely pathogenic. Review status: criteria provided, multiple submitters, no conflicts (2 of 4 stars). 4 submissions from 4 submitters: Pathogenic (2); Likely pathogenic (2). Last evaluated 2024-07-15.

Conditions:
Catecholaminergic polymorphic ventricular tachycardia 2. Also called: CASQ2-Related Catecholaminergic Polymorphic Ventricular Tachycardia; VENTRICULAR TACHYCARDIA, STRESS-INDUCED POLYMORPHIC 2. Identifiers: Orphanet 3286, MedGen C2677794, MONDO:0012762, OMIM 611938.
Catecholaminergic polymorphic ventricular tachycardia 1. Also called: VENTRICULAR TACHYCARDIA, CATECHOLAMINERGIC POLYMORPHIC, 1, WITH OR WITHOUT ATRIAL DYSFUNCTION AND/OR DILATED CARDIOMYOPATHY; RYR2-Related Catecholaminergic Polymorphic Ventricular Tachycardia; VENTRICULAR TACHYCARDIA, STRESS-INDUCED POLYMORPHIC 1. Identifiers: Orphanet 3286, MedGen C1631597, MONDO:0011484, OMIM 604772.

Allele frequency attached by ClinVar (database versions not stated): gnomAD exomes below 0.00001 and 0.00001; ExAC 0.00001; gnomAD 0.00001.
gnomAD v4.1: 5 of 1,609,792 alleles (0.00031%); highest among the groups gnomAD compares: African/African-American, 0.0014%; no homozygotes.

Submissions (4):

GeneDx
Classification: Pathogenic. Last evaluated: 2024-07-15. Review status: criteria provided, single submitter. Criteria: GeneDx Variant Classification Process June 2021. Collection method: clinical testing. Allele origin: germline. Affected: yes.
Comment: Nonsense variant predicted to result in protein truncation or nonsense mediated decay in a gene for which loss of function is a known mechanism of disease; Not observed at significant frequency in large population cohorts (gnomAD); This variant is associated with the following publications: (PMID: 32693635)

Genome-Nilou Lab
Classification: Likely pathogenic for Catecholaminergic polymorphic ventricular tachycardia 2. Last evaluated: 2023-04-11. Review status: criteria provided, single submitter. Criteria: ACMG Guidelines, 2015. Collection method: clinical testing. Allele origin: germline. Affected: no.

Labcorp Genetics (formerly Invitae), Labcorp
Classification: Pathogenic for Catecholaminergic polymorphic ventricular tachycardia 1. Last evaluated: 2022-09-28. Review status: criteria provided, single submitter. Criteria: Invitae Variant Classification Sherloc (09022015). Collection method: clinical testing. Allele origin: germline.
Comment: For these reasons, this variant has been classified as Pathogenic. Algorithms developed to predict the effect of sequence changes on RNA splicing suggest that this variant may disrupt the consensus splice site. ClinVar contains an entry for this variant (Variation ID: 427947). This premature translational stop signal has been observed in individual(s) with catecholaminergic polymorphic ventricular tachycardia (PMID: 32693635). This variant is present in population databases (rs776874142, gnomAD 0.004%). This sequence change creates a premature translational stop signal (p.Trp261*) in the CASQ2 gene. It is expected to result in an absent or disrupted protein product. Loss-of-function variants in CASQ2 are known to be pathogenic (PMID: 12386154).

Center for Human Genetics, University of Leuven
Classification: Likely pathogenic for Catecholaminergic polymorphic ventricular tachycardia 2. Last evaluated: 2017-02-09. Review status: criteria provided, single submitter. Criteria: ACMG Guidelines, 2015. Collection method: clinical testing. Allele origin: germline. Inheritance: Autosomal recessive inheritance. Affected: yes. Observed: 2 variant alleles, 2 compound heterozygotes.
Comment: ACMG score likely pathogenic

Literature cited by the submitters: PubMed 32693635 (cited by Labcorp Genetics (formerly Invitae), Labcorp); PubMed 12386154 (cited by Labcorp Genetics (formerly Invitae), Labcorp).